The following is an entry in ClinVar:

NM_001009944.3(PKD1):c.220G>A (p.Val74Ile)

Gene: PKD1 (polycystin 1, transient receptor potential channel interacting; minus strand). Cytogenetic location: 16p13.3.
Variant type: single nucleotide variant.
Coding change: c.220G>A on transcript NM_001009944.3 (MANE Select); coding-DNA position 220, G replaced by A.
Protein change: p.Val74Ile; replaces valine 74 with isoleucine.
Molecular consequence: missense variant.
Genome position (GRCh38, 1-based): chr16:2,119,374, C>T on the plus strand (G>A on the coding strand, the complement: PKD1 is on the minus strand). VCF-style: chr16-2119374-C-T. GRCh37 (hg19) VCF-style: chr16-2169375-C-T.
Other names: c.220G>A, p.Val74Ile (NM_000296.4); short protein forms V74I.
Identifiers: ClinVar variation 2614002 (VCV002614002.4), dbSNP rs1048339818, ClinGen allele CA276784283.

ClinVar aggregate classification (germline): Likely benign. Review status: criteria provided, multiple submitters, no conflicts (2 of 4 stars). 2 submissions from 2 submitters: Likely benign (2). Last evaluated 2026-06-01.

Conditions:
Inborn genetic diseases. Identifiers: MedGen C0950123, MeSH D030342.

Allele frequency attached by ClinVar (database versions not stated): gnomAD exomes 0.00001.
gnomAD v4.1: 10 of 1,474,026 alleles (0.00068%); highest among the groups gnomAD compares: East Asian, 0.0074%; no homozygotes.

Submissions (2):

CeGaT Center for Human Genetics Tuebingen
Classification: Likely benign. Last evaluated: 2026-06-01. Review status: criteria provided, single submitter. Criteria: CeGaT Center For Human Genetics Tuebingen Variant Classification Criteria Version 2. Collection method: clinical testing. Allele origin: germline. Affected: yes. Observed: 1 variant allele.
Comment: PKD1: BP4

Ambry Genetics
Classification: Likely benign for Inborn genetic diseases. Last evaluated: 2023-07-25. Review status: criteria provided, single submitter. Criteria: Ambry Variant Classification Scheme 2023. Collection method: clinical testing. Allele origin: germline.